The following is an entry in ClinVar:

NM_001267550.2(TTN):c.3668C>T (p.Ala1223Val)

Gene: TTN (titin; minus strand). Cytogenetic location: 2q31.2.
Variant type: single nucleotide variant.
Coding change: c.3668C>T on transcript NM_001267550.2 (MANE Select); coding-DNA position 3668, C replaced by T.
Protein change: p.Ala1223Val; replaces alanine 1223 with valine.
Molecular consequence: missense variant.
Genome position (GRCh38, 1-based): chr2:178,780,061, G>A on the plus strand (C>T on the coding strand, the complement: TTN is on the minus strand). VCF-style: chr2-178780061-G-A. GRCh37 (hg19) VCF-style: chr2-179644788-G-A.
Other names: p.A1223V:GCC>GTC; c.3668C>T, p.Ala1223Val (NM_001256850.1, NM_133378.4, NM_133379.5); c.3530C>T, p.Ala1177Val (NM_003319.4, NM_133432.3, NM_133437.4); short protein forms A1223V, A1177V.
Identifiers: ClinVar variation 46978 (VCV000046978.63), dbSNP rs78269740, ClinGen allele CA283251.

ClinVar aggregate classification (germline): Benign/Likely benign. Review status: criteria provided, multiple submitters, no conflicts (2 of 4 stars). 25 submissions from 18 submitters: Benign (16); Likely benign (6). 3 of the submissions do not count toward it. Last evaluated 2026-04-01.

Conditions:
TTN-related disorder. Also called: TTN-related condition; TTN-related disease; TTN-related disorders.
Cardiovascular phenotype. Identifiers: MedGen CN230736.
Dilated cardiomyopathy 1G (CMD1G). Identifiers: Orphanet 154, MedGen C1858763, MONDO:0011400, OMIM 604145.
Autosomal recessive limb-girdle muscular dystrophy type 2J (LGMDR10). Also called: Limb-girdle muscular dystrophy, type 2J; MUSCULAR DYSTROPHY, LIMB-GIRDLE, AUTOSOMAL RECESSIVE 10. Identifiers: Orphanet 140922, MedGen C1837342, MONDO:0012127, OMIM 608807.
Cardiomyopathy (CMYO). Also called: Cardiomyopathies. Identifiers: Orphanet 167848, MedGen C0878544, MONDO:0004994, HP:0001638. Inheritance: Various modes of inheritance.
Early-onset myopathy with fatal cardiomyopathy (CMYO5). Also called: Salih Myopathy; CONGENITAL MYOPATHY 5 WITH CARDIOMYOPATHY. Identifiers: Orphanet 289377, MedGen C2673677, MONDO:0012714, OMIM 611705. Disease mechanism: loss of function.
Myopathy, myofibrillar, 9, with early respiratory failure (MFM9). Also called: Hereditary myopathy with early respiratory failure; Myopathy, distal, with early respiratory failure, autosomal dominant; EDSTROM MYOPATHY; MYOPATHY, PROXIMAL, WITH EARLY RESPIRATORY MUSCLE INVOLVEMENT. Identifiers: Orphanet 178464, Orphanet 34521, MedGen C1863599, MONDO:0011362, OMIM 603689.
Tibial muscular dystrophy (TMD). Also called: Udd Distal Myopathy – Tibial Muscular Dystrophy; Tibial muscular dystrophy, tardive; UDD MYOPATHY. Identifiers: Orphanet 609, MedGen C1838244, MONDO:0010870, OMIM 600334.

Allele frequency attached by ClinVar (database versions not stated): gnomAD exomes 0.00096; ExAC 0.00121; 1000 Genomes Project 0.00379; 1000 Genomes Project 30x 0.00406; gnomAD 0.00411 and 0.00443; ESP Exome Variant Server 0.00446; TOPMed 0.00464.
gnomAD v4.1: 1,222 of 1,613,558 alleles (0.076%); highest among the groups gnomAD compares: African/African-American, 1.4%; 12 homozygotes.

Submissions (25):

CeGaT Center for Human Genetics Tuebingen
Classification: Likely benign. Last evaluated: 2026-04-01. Review status: criteria provided, single submitter. Criteria: CeGaT Center For Human Genetics Tuebingen Variant Classification Criteria Version 2. Collection method: clinical testing. Allele origin: germline. Affected: yes. Observed: 2 variant alleles.
Comment: TTN: BS1

Labcorp Genetics (formerly Invitae), Labcorp
Classification: Benign for Dilated cardiomyopathy 1G; Autosomal recessive limb-girdle muscular dystrophy type 2J. Last evaluated: 2026-02-03. Review status: criteria provided, single submitter. Criteria: Invitae Variant Classification Sherloc (09022015). Collection method: clinical testing. Allele origin: germline.

Molecular Diagnostic Laboratory for Inherited Cardiovascular Disease, Montreal Heart Institute
Classification: Likely benign. Last evaluated: 2025-04-09. Review status: criteria provided, single submitter. Criteria: ACMG Guidelines, 2015. Collection method: clinical testing. Allele origin: germline. Affected: no.

ARUP Laboratories, Molecular Genetics and Genomics, ARUP Laboratories
Classification: Benign. Last evaluated: 2024-12-12. Review status: criteria provided, single submitter. Criteria: ARUP Molecular Germline Variant Investigation Process 2024. Collection method: clinical testing. Allele origin: germline.

Blueprint Genetics
Classification: Likely benign. Last evaluated: 2024-11-26. Review status: criteria provided, single submitter. Criteria: ACMG Guidelines, 2015. Collection method: clinical testing. Allele origin: germline.

Athena Diagnostics
Classification: Benign. Last evaluated: 2023-10-17. Review status: criteria provided, single submitter. Criteria: Athena Diagnostics Criteria. Collection method: clinical testing. Allele origin: unknown.

Genome-Nilou Lab
Classification: Benign for Autosomal recessive limb-girdle muscular dystrophy type 2J. Last evaluated: 2021-09-10. Review status: criteria provided, single submitter. Criteria: ACMG Guidelines, 2015. Collection method: clinical testing. Allele origin: germline. Affected: no.

Genome-Nilou Lab
Classification: Benign for Myopathy, myofibrillar, 9, with early respiratory failure. Last evaluated: 2021-09-10. Review status: criteria provided, single submitter. Criteria: ACMG Guidelines, 2015. Collection method: clinical testing. Allele origin: germline. Affected: no.

Genome-Nilou Lab
Classification: Benign for Early-onset myopathy with fatal cardiomyopathy. Last evaluated: 2021-09-10. Review status: criteria provided, single submitter. Criteria: ACMG Guidelines, 2015. Collection method: clinical testing. Allele origin: germline. Affected: no.

Genome-Nilou Lab
Classification: Benign for Tibial muscular dystrophy. Last evaluated: 2021-09-10. Review status: criteria provided, single submitter. Criteria: ACMG Guidelines, 2015. Collection method: clinical testing. Allele origin: germline. Affected: no.

Women's Health and Genetics/Laboratory Corporation of America, LabCorp
Classification: Benign. Last evaluated: 2019-10-30. Review status: criteria provided, single submitter. Criteria: LabCorp Variant Classification Summary - May 2015. Collection method: clinical testing. Allele origin: germline.
Comment: Variant summary: TTN c.3668C>T (p.Ala1223Val) results in a non-conservative amino acid change located in the near Z-disk region of the encoded protein sequence. Three of five in-silico tools predict a damaging effect of the variant on protein function. The variant allele was found at a frequency of 0.00096 in 250988 control chromosomes, predominantly at a frequency of 0.013 within the African or African-American subpopulation in the gnomAD database, including 2 homozygotes. The observed variant frequency within African or African-American control individuals in the gnomAD database is approximately 21 fold of the estimated maximal expected allele frequency for a pathogenic variant in TTN causing Cardiomyopathy phenotype (0.00063), strongly suggesting that the variant is a benign polymorphism found primarily in populations of African or African-American origin. Five clinical diagnostic laboratories have submitted clinical-significance assessments for this variant to ClinVar after 2014 without evidence for independent evaluation (x4 benign, 1x VUS). Based on the evidence outlined above, the variant was classified as benign.

Illumina Laboratory Services, Illumina
Classification: Likely benign for Dilated cardiomyopathy 1G. Last evaluated: 2018-01-12. Review status: criteria provided, single submitter. Criteria: ICSL Variant Classification Criteria 13 December 2019. Collection method: clinical testing. Allele origin: germline.
Comment: This variant was observed in the ICSL laboratory as part of a predisposition screen in an ostensibly healthy population. It had not been previously curated by ICSL or reported in the Human Gene Mutation Database (HGMD: prior to June 1st, 2018), and was therefore a candidate for classification through an automated scoring system. Utilizing variant allele frequency, disease prevalence and penetrance estimates, and inheritance mode, an automated score was calculated to assess if this variant is too frequent to cause the disease. Based on the score and internal cut-off values, a variant classified as likely benign is not then subjected to further curation. The score for this variant resulted in a classification of likely benign for this disease.

Illumina Laboratory Services, Illumina
Classification: Likely benign for Autosomal recessive limb-girdle muscular dystrophy type 2J. Last evaluated: 2018-01-12. Review status: criteria provided, single submitter. Criteria: ICSL Variant Classification Criteria 13 December 2019. Collection method: clinical testing. Allele origin: germline.
Comment: the same text as in the submission from Illumina Laboratory Services, Illumina above.

Illumina Laboratory Services, Illumina
Classification: Benign for Tibial muscular dystrophy. Last evaluated: 2018-01-12. Review status: criteria provided, single submitter. Criteria: ICSL Variant Classification Criteria 13 December 2019. Collection method: clinical testing. Allele origin: germline.
Comment: This variant was observed in the ICSL laboratory as part of a predisposition screen in an ostensibly healthy population. It had not been previously curated by ICSL or reported in the Human Gene Mutation Database (HGMD: prior to June 1st, 2018), and was therefore a candidate for classification through an automated scoring system. Utilizing variant allele frequency, disease prevalence and penetrance estimates, and inheritance mode, an automated score was calculated to assess if this variant is too frequent to cause the disease. Based on the score and internal cut-off values, a variant classified as benign is not then subjected to further curation. The score for this variant resulted in a classification of benign for this disease.

Illumina Laboratory Services, Illumina
Classification: Benign for Myopathy, myofibrillar, 9, with early respiratory failure. Last evaluated: 2018-01-12. Review status: criteria provided, single submitter. Criteria: ICSL Variant Classification Criteria 13 December 2019. Collection method: clinical testing. Allele origin: germline.
Comment: the same text as in the submission from Illumina Laboratory Services, Illumina above.

Illumina Laboratory Services, Illumina
Classification: Likely benign for Early-onset myopathy with fatal cardiomyopathy. Last evaluated: 2018-01-12. Review status: criteria provided, single submitter. Criteria: ICSL Variant Classification Criteria 13 December 2019. Collection method: clinical testing. Allele origin: germline.
Comment: the same text as in the submission from Illumina Laboratory Services, Illumina above.

GeneDx
Classification: Benign. Last evaluated: 2016-12-20. Review status: criteria provided, single submitter. Criteria: GeneDx Variant Classification (06012015). Collection method: clinical testing. Allele origin: germline. Affected: yes.
Comment: This variant is considered likely benign or benign based on one or more of the following criteria: it is a conservative change, it occurs at a poorly conserved position in the protein, it is predicted to be benign by multiple in silico algorithms, and/or has population frequency not consistent with disease.

CHEO Genetics Diagnostic Laboratory, Children's Hospital of Eastern Ontario
Classification: Benign for Cardiomyopathy. Last evaluated: 2016-03-23. Review status: criteria provided, single submitter. Criteria: ACMG Guidelines, 2015. Collection method: clinical testing. Allele origin: germline. Study: Canadian Open Genetics Repository.

Genetic Services Laboratory, University of Chicago
Classification: Benign. Last evaluated: 2014-08-14. Review status: criteria provided, single submitter. Criteria: ACMG Guidelines, 2015. Collection method: clinical testing. Allele origin: germline.

Ambry Genetics
Classification: Benign for Cardiovascular phenotype. Last evaluated: 2013-07-19. Review status: criteria provided, single submitter. Criteria: Ambry Autosomal Dominant and X-Linked criteria (10/2015). Collection method: clinical testing. Allele origin: germline. Observed: 1 variant allele.

Biesecker Lab/Clinical Genomics Section, National Institutes of Health
Classification: Benign. Last evaluated: 2013-06-24. Review status: criteria provided, single submitter. Criteria: Ng et al. (Circ Cardiovasc Genet. 2013). Collection method: research. Allele origin: unknown. Observed: 2 variant alleles. Study: ClinSeq.
Comment: The study set was not selected for affection status in relation to any cancer. Pathogenicity categories were based on literature curation. See Pubmed ID:23861362 for details.

Medical sequencing

Laboratory for Molecular Medicine, Mass General Brigham Personalized Medicine
Classification: Benign. Last evaluated: 2012-03-02. Review status: criteria provided, single submitter. Criteria: LMM Criteria. Collection method: clinical testing. Allele origin: germline. Observed: 13 variant alleles.
Comment: Ala1223Val in exon 22 of TTN: This variant is not expected to have clinical sign ificance because it has been identified in 1.3% (49/3738) of African American ch romosomes from a broad population by the NHLBI Exome Sequencing Project (dbSNP rs78269740).

PreventionGenetics, part of Exact Sciences
Classification: Benign for TTN-related condition. Last evaluated: 2019-05-29. Review status: no assertion criteria provided. Collection method: clinical testing. Allele origin: germline. Not counted in ClinVar's aggregate classification.
Comment: This variant is classified as benign based on ACMG/AMP sequence variant interpretation guidelines (Richards et al. 2015 PMID: 25741868, with internal and published modifications).

Clinical Genetics DNA and cytogenetics Diagnostics Lab, Erasmus MC, Erasmus Medical Center
Classification: Benign. Review status: no assertion criteria provided. Collection method: clinical testing. Allele origin: germline. Affected: yes. Study: VKGL Data-share Consensus. Not counted in ClinVar's aggregate classification.

Clinical Genetics, Academic Medical Center
Classification: Benign. Review status: no assertion criteria provided. Collection method: clinical testing. Allele origin: germline. Affected: yes. Study: VKGL Data-share Consensus. Not counted in ClinVar's aggregate classification.

Literature cited by the submitters: PubMed 23861362 (cited by Athena Diagnostics).